The following is an entry in ClinVar:

NM_000353.3(TAT):c.1037T>C (p.Leu346Pro)

Genes: TAT (tyrosine aminotransferase; minus strand), TAT-AS1 (TAT antisense RNA 1; plus strand). Cytogenetic location: 16q22.2.
Variant type: single nucleotide variant.
Coding change: c.1037T>C on transcript NM_000353.3 (MANE Select); coding-DNA position 1037, T replaced by C.
Protein change: p.Leu346Pro; replaces leucine 346 with proline.
Molecular consequence: missense variant.
Genome position (GRCh38, 1-based): chr16:71,570,273, A>G on the plus strand (T>C on the coding strand, the complement: TAT is on the minus strand). VCF-style: chr16-71570273-A-G. GRCh37 (hg19) VCF-style: chr16-71604176-A-G.
Other names: short protein forms L346P.
Identifiers: ClinVar variation 3631060 (VCV003631060.2).
Genomic context (GRCh38, chr16:71,570,273, plus strand): 5'-GGGCGGCATTCTCTGACTCCCAAACTCCCAAAGTGGAGGGCAGGAGCTGCCCTTACCTTG[A>G]GGAAGCTCAGAGTGTTGTGGTAAAACTCTCCCGGGGTGCGACATAGGATGCTTTTCAGAG-3'
Protein context (NP_000344.1, residues 336-356): GEFYHNTLSF[Leu346Pro]KSNADLCYGA

ClinVar aggregate classification (germline): Uncertain significance (1 of 4 stars; one submission).

Conditions:
Tyrosinemia type II (TYRSN2). Also called: KERATOSIS PALMOPLANTARIS WITH CORNEAL DYSTROPHY; OREGON TYPE TYROSINEMIA; TAT DEFICIENCY; TYROSINE AMINOTRANSFERASE DEFICIENCY; TYROSINE TRANSAMINASE DEFICIENCY. Identifiers: Orphanet 28378, MedGen C0268487, MONDO:0010160, OMIM 276600.

Submission:

Labcorp Genetics (formerly Invitae), Labcorp
Classification: Uncertain significance for Tyrosinemia type II. Last evaluated: 2024-06-13. Review status: criteria provided, single submitter. Criteria: Invitae Variant Classification Sherloc (09022015). Collection method: clinical testing. Allele origin: germline.
Comment: This sequence change replaces leucine, which is neutral and non-polar, with proline, which is neutral and non-polar, at codon 346 of the TAT protein (p.Leu346Pro). This variant is not present in population databases (gnomAD no frequency). This variant has not been reported in the literature in individuals affected with TAT-related conditions. Advanced modeling of protein sequence and biophysical properties (such as structural, functional, and spatial information, amino acid conservation, physicochemical variation, residue mobility, and thermodynamic stability) performed at Invitae indicates that this missense variant is expected to disrupt TAT protein function with a positive predictive value of 80%. In summary, the available evidence is currently insufficient to determine the role of this variant in disease. Therefore, it has been classified as a Variant of Uncertain Significance.